The following is an entry in ClinVar:

ClinVar aggregate classification (germline): Conflicting classifications of pathogenicity. Review status: criteria provided, conflicting classifications (1 of 4 stars). 2 submissions from 2 submitters: Uncertain significance (1); Likely benign (1). Last evaluated 2025-04-30.

Conditions:
Hereditary breast ovarian cancer syndrome. Also called: Hereditary breast and/or ovarian cancer syndrome; BRCA1- and BRCA2-Associated Hereditary Breast and Ovarian Cancer; Hereditary breast and ovarian cancer syndrome; Hereditary breast and ovarian cancer; Hereditary breast and ovarian cancer syndrome (HBOC); Breast and ovarian cancer. Identifiers: Orphanet 145, MedGen C0677776, MeSH D061325, MONDO:0003582. Disease mechanism: loss of function.
Breast-ovarian cancer, familial, susceptibility to, 1 (BROVCA1). Also called: BRCA1 Hereditary Breast and Ovarian Cancer; OVARIAN CANCER, SUSCEPTIBILITY TO. Identifiers: Orphanet 145, MedGen C2676676, MONDO:0011450, OMIM 604370. Disease mechanism: loss of function.

Allele frequency attached by ClinVar (database versions not stated): gnomAD exomes below 0.00001; TOPMed below 0.00001.

Submissions (3):

Labcorp Genetics (formerly Invitae), Labcorp
Classification: Uncertain significance for Hereditary breast ovarian cancer syndrome. Last evaluated: 2025-04-30. Review status: criteria provided, single submitter. Criteria: Invitae Variant Classification Sherloc (09022015). Collection method: clinical testing. Allele origin: germline.
Comment: This sequence change replaces threonine, which is neutral and polar, with arginine, which is basic and polar, at codon 1640 of the BRCA1 protein (p.Thr1640Arg). This variant is present in population databases (no rsID available, gnomAD 0.007%). This variant has not been reported in the literature in individuals affected with BRCA1-related conditions. ClinVar contains an entry for this variant (Variation ID: 865683). Invitae Evidence Modeling incorporating data from in vitro experimental studies (PMID: 30209399) indicates that this missense variant is not expected to disrupt BRCA1 function with a negative predictive value of 95%. In summary, the available evidence is currently insufficient to determine the role of this variant in disease. Therefore, it has been classified as a Variant of Uncertain Significance.

Myriad Genetics, Inc.
Classification: Likely benign for Breast-ovarian cancer, familial, susceptibility to, 1. Last evaluated: 2024-10-14. Review status: criteria provided, single submitter. Criteria: Myriad Autosomal Dominant, Autosomal Recessive and X-Linked Classification Criteria (2023). Collection method: clinical testing. Allele origin: unknown.
Comment: This variant is considered likely benign. This variant is strongly associated with less severe personal and family histories of cancer, typical for individuals without pathogenic variants in this gene [PMID: 25085752].

Brotman Baty Institute, University of Washington
No classification provided (evidence only). Condition: Breast-ovarian cancer, familial 1. Review status: no classification provided. Collection method: in vitro. Allele origin: not applicable. Functional consequence: functionally_normal. Not counted in ClinVar's aggregate classification.
ClinVar note: "not provided" was previously submitted as the classification for the variant. However, the classification appeared to be based only on an observation of functional data so it was converted to no classification on 2025-07-30.

Literature cited by the submitters: PubMed 30209399 (cited by Labcorp Genetics (formerly Invitae), Labcorp); PubMed 25085752 (cited by Myriad Genetics, Inc.).

NM_007294.4(BRCA1):c.4919C>G (p.Thr1640Arg)

Gene: BRCA1 (BRCA1 DNA repair associated; minus strand). Cytogenetic location: 17q21.31.
Variant type: single nucleotide variant.
Coding change: c.4919C>G on transcript NM_007294.4 (MANE Select); coding-DNA position 4919, C replaced by G.
Protein change: p.Thr1640Arg; replaces threonine 1640 with arginine.
Molecular consequence: missense variant. On other transcripts: non-coding transcript variant (1).
Genome position (GRCh38, 1-based): chr17:43,070,995, G>C on the plus strand (C>G on the coding strand, the complement: BRCA1 is on the minus strand). VCF-style: chr17-43070995-G-C. GRCh37 (hg19) VCF-style: chr17-41223012-G-C.
Other names: c.4775C>G, p.Thr1592Arg (NM_001407750.1, NM_001407751.1, NM_001407752.1 and 21 more transcripts); c.4772C>G, p.Thr1591Arg (NM_001407838.1, NM_001407839.1, NM_001407841.1 and 12 more transcripts); c.4919C>G, p.Thr1640Arg (NM_001407854.1, NM_001407593.1, NM_001407594.1 and 8 more transcripts); c.4916C>G, p.Thr1639Arg (NM_001407858.1, NM_001407859.1, NM_001407860.1 and 17 more transcripts); c.4913C>G, p.Thr1638Arg (NM_001407861.1, NM_001407627.1, NM_001407628.1 and 14 more transcripts); c.4718C>G, p.Thr1573Arg (NM_001407862.1); c.4793C>G, p.Thr1598Arg (NM_001407863.1, NM_001407670.1, NM_001407671.1 and 11 more transcripts); c.4712C>G, p.Thr1571Arg (NM_001407874.1, NM_001407875.1); and 70 more; short protein forms T1661R, T536R, T1640R, T1593R, T1528R, T1552R, T1570R, T1571R.
Identifiers: ClinVar variation 865683 (VCV000865683.5), dbSNP rs1036328075, ClinGen allele CA10591682.